The following is an entry in ClinVar:

ClinVar aggregate classification (germline): Benign (0 of 4 stars; one submission).

Conditions:
MYO16-related disorder. Also called: MYO16-related condition.

Allele frequency attached by ClinVar (database versions not stated): 1000 Genomes Project 0.04613; 1000 Genomes Project 30x 0.04638; TOPMed 0.06881; gnomAD 0.07147; ESP Exome Variant Server 0.07167; ExAC 0.08638.
gnomAD v4.1: 143,628 of 1,588,058 alleles (9%); highest among the groups gnomAD compares: Non-Finnish European, 10%; 7,389 homozygotes.

Submission:

PreventionGenetics, part of Exact Sciences
Classification: Benign for MYO16-related condition. Last evaluated: 2019-10-28. Review status: no assertion criteria provided. Collection method: clinical testing. Allele origin: germline.
Comment: This variant is classified as benign based on ACMG/AMP sequence variant interpretation guidelines (Richards et al. 2015 PMID: 25741868, with internal and published modifications).

NM_001198950.3(MYO16):c.4686G>C (p.Pro1562=)

Gene: MYO16 (myosin XVI; plus strand). Cytogenetic location: 13q33.3.
Variant type: single nucleotide variant.
Coding change: c.4686G>C on transcript NM_001198950.3 (MANE Select); coding-DNA position 4686, G replaced by C.
Protein change: p.Pro1562=; no amino-acid change (proline 1562 retained).
Molecular consequence: synonymous variant.
Genome position (GRCh38, 1-based): chr13:109,140,898, G>C. VCF-style: chr13-109140898-G-C. GRCh37 (hg19) VCF-style: chr13-109793246-G-C.
Other names: c.4620G>C, p.Pro1540= (NM_015011.3).
Identifiers: ClinVar variation 3056453 (VCV003056453.2), dbSNP rs80260507, ClinGen allele CA7045747.